The following is an entry in ClinVar:

NM_133259.4(LRPPRC):c.1262-1G>C

Gene: LRPPRC (leucine rich pentatricopeptide repeat containing; minus strand). Cytogenetic location: 2p21.
Variant type: single nucleotide variant.
Coding change: c.1262-1G>C on transcript NM_133259.4 (MANE Select); the canonical splice acceptor site of the intron before coding-DNA position 1262, G replaced by C.
Molecular consequence: splice acceptor variant.
Genome position (GRCh38, 1-based): chr2:43,973,715, C>G on the plus strand (G>C on the coding strand, the complement: LRPPRC is on the minus strand). VCF-style: chr2-43973715-C-G. GRCh37 (hg19) VCF-style: chr2-44200854-C-G.
Identifiers: ClinVar variation 1489340 (VCV001489340.6), dbSNP rs2103710907, ClinGen allele CA346672104.

ClinVar aggregate classification (germline): Likely pathogenic (1 of 4 stars; one submission).

Submission:

Labcorp Genetics (formerly Invitae), Labcorp
Classification: Likely pathogenic. Last evaluated: 2021-07-13. Review status: criteria provided, single submitter. Criteria: Invitae Variant Classification Sherloc (09022015). Collection method: clinical testing. Allele origin: germline.
Comment: This variant has not been reported in the literature in individuals affected with LRPPRC-related conditions. Algorithms developed to predict the effect of sequence changes on RNA splicing suggest that this variant may disrupt the consensus splice site. In summary, the currently available evidence indicates that the variant is pathogenic, but additional data are needed to prove that conclusively. Therefore, this variant has been classified as Likely Pathogenic. This sequence change affects an acceptor splice site in intron 10 of the LRPPRC gene. It is expected to disrupt RNA splicing. Variants that disrupt the donor or acceptor splice site typically lead to a loss of protein function (PMID: 16199547), and loss-of-function variants in LRPPRC are known to be pathogenic (PMID: 26510951). This variant is not present in population databases (ExAC no frequency).

Literature cited by the submitters: PubMed 16199547; PubMed 26510951.